The following is an entry in ClinVar:

NM_000081.4(LYST):c.2876A>G (p.Gln959Arg)

Gene: LYST (lysosomal trafficking regulator; minus strand). Cytogenetic location: 1q42.3.
Variant type: single nucleotide variant.
Coding change: c.2876A>G on transcript NM_000081.4 (MANE Select); coding-DNA position 2876, A replaced by G.
Protein change: p.Gln959Arg; replaces glutamine 959 with arginine.
Molecular consequence: missense variant.
Genome position (GRCh38, 1-based): chr1:235,806,260, T>C on the plus strand (A>G on the coding strand, the complement: LYST is on the minus strand). VCF-style: chr1-235806260-T-C. GRCh37 (hg19) VCF-style: chr1-235969560-T-C.
Other names: c.2876A>G, p.Gln959Arg (NM_001301365.1); short protein forms Q959R.
Identifiers: ClinVar variation 2610200 (VCV002610200.5), dbSNP rs768961881, ClinGen allele CA1467190.
Genomic context (GRCh38, chr1:235,806,260, plus strand): 5'-TTCTGGAACACTGAACTCAACATGTAGATCCAACGACACATAGACCAAATGTCTGCTGCT[T>C]GGTGCATATGTTCAGGAGAAGGCAAGACAAGGCTCTCGAGAGATATACATGGCAGCATAT-3'
Protein context (NP_000072.2, residues 949-969): LVLPSPEHMH[Gln959Arg]AADIWSMCRW

ClinVar aggregate classification (germline): Conflicting classifications of pathogenicity. Review status: criteria provided, conflicting classifications (1 of 4 stars). 3 submissions from 3 submitters: Uncertain significance (2); Likely benign (1). Last evaluated 2025-01-24.

Conditions:
Inborn genetic diseases. Identifiers: MedGen C0950123, MeSH D030342.
Chédiak-Higashi syndrome (CHS). Also called: Chediak-Higashi Syndrome. Identifiers: Orphanet 167, MedGen C0007965, MONDO:0008963, OMIM 214500.

Allele frequency attached by ClinVar (database versions not stated): gnomAD exomes 0.00001; TOPMed 0.00001; ExAC 0.00002.
gnomAD v4.1: 17 of 1,613,866 alleles (0.0011%); highest among the groups gnomAD compares: Middle Eastern, 0.033%; 1 homozygote.

Submissions (3):

Labcorp Genetics (formerly Invitae), Labcorp
Classification: Uncertain significance for Chédiak-Higashi syndrome. Last evaluated: 2025-01-24. Review status: criteria provided, single submitter. Criteria: Invitae Variant Classification Sherloc (09022015). Collection method: clinical testing. Allele origin: germline.
Comment: This sequence change replaces glutamine, which is neutral and polar, with arginine, which is basic and polar, at codon 959 of the LYST protein (p.Gln959Arg). This variant is present in population databases (rs768961881, gnomAD 0.0009%). This variant has not been reported in the literature in individuals affected with LYST-related conditions. ClinVar contains an entry for this variant (Variation ID: 2610200). Invitae Evidence Modeling of protein sequence and biophysical properties (such as structural, functional, and spatial information, amino acid conservation, physicochemical variation, residue mobility, and thermodynamic stability) indicates that this missense variant is not expected to disrupt LYST protein function with a negative predictive value of 80%. In summary, the available evidence is currently insufficient to determine the role of this variant in disease. Therefore, it has been classified as a Variant of Uncertain Significance.

Ambry Genetics
Classification: Uncertain significance for Inborn genetic diseases. Last evaluated: 2023-07-11. Review status: criteria provided, single submitter. Criteria: Ambry Variant Classification Scheme 2023. Collection method: clinical testing. Allele origin: germline.

Blueprint Genetics
Classification: Likely benign. Last evaluated: 2022-09-21. Review status: criteria provided, single submitter. Criteria: ACMG Guidelines, 2015. Collection method: clinical testing. Allele origin: germline.